The following is an entry in ClinVar:

ClinVar aggregate classification (germline): Benign. Review status: criteria provided, multiple submitters, no conflicts (2 of 4 stars). 3 submissions from 3 submitters: Benign (2). 1 of the submissions does not count toward it. Last evaluated 2024-11-11.

Conditions:
TBX2-related disorder. Also called: TBX2-related condition.

Allele frequency attached by ClinVar (database versions not stated): gnomAD exomes 0.00040 and 0.00103; ExAC 0.00194; ESP Exome Variant Server 0.00261; gnomAD 0.00466 and 0.00490; TOPMed 0.00550; 1000 Genomes Project 0.00619; 1000 Genomes Project 30x 0.00656.
gnomAD v4.1: 1,284 of 1,546,548 alleles (0.083%); highest among the groups gnomAD compares: African/African-American, 1.6%; 14 homozygotes.

Submissions (3):

Blueprint Genetics
Classification: Benign. Last evaluated: 2024-11-11. Review status: criteria provided, single submitter. Criteria: ACMG Guidelines, 2015. Collection method: clinical testing. Allele origin: germline.

Labcorp Genetics (formerly Invitae), Labcorp
Classification: Benign. Last evaluated: 2019-12-31. Review status: criteria provided, single submitter. Criteria: Invitae Variant Classification Sherloc (09022015). Collection method: clinical testing. Allele origin: germline.

PreventionGenetics, part of Exact Sciences
Classification: Benign for TBX2-related condition. Last evaluated: 2019-03-01. Review status: no assertion criteria provided. Collection method: clinical testing. Allele origin: germline. Not counted in ClinVar's aggregate classification.
Comment: This variant is classified as benign based on ACMG/AMP sequence variant interpretation guidelines (Richards et al. 2015 PMID: 25741868, with internal and published modifications).

NM_005994.4(TBX2):c.1179C>T (p.Pro393=)

Gene: TBX2 (T-box transcription factor 2; plus strand). Cytogenetic location: 17q23.2.
Variant type: single nucleotide variant.
Coding change: c.1179C>T on transcript NM_005994.4 (MANE Select); coding-DNA position 1179, C replaced by T.
Protein change: p.Pro393=; no amino-acid change (proline 393 retained).
Molecular consequence: synonymous variant.
Genome position (GRCh38, 1-based): chr17:61,405,329, C>T. VCF-style: chr17-61405329-C-T. GRCh37 (hg19) VCF-style: chr17-59482690-C-T.
Identifiers: ClinVar variation 732390 (VCV000732390.7), dbSNP rs189227009, ClinGen allele CA8689338.
Genomic context (GRCh38, chr17:61,405,329, plus strand): 5'-GGCGCCGCTAGGCCGCAGCCCGGCTCCAGACAGCGCCAGCCCCACTCGCTTGACCGAACC[C>T]GAGCGCGCCCGGGAGCGGCGTAGTCCCGAGAGGGGCAAGGAGCCGGCCGAGAGCGGCGGG-3'
Protein context (NP_005985.3, residues 383-403): DSASPTRLTE[Pro393=]ERARERRSPE